The following is an entry in ClinVar:

ClinVar aggregate classification (germline): Pathogenic. Review status: reviewed by expert panel (3 of 4 stars). 2 submissions from 2 submitters: Pathogenic (1). 1 of the submissions does not count toward it. Last evaluated 2016-10-18.

Conditions:
Breast-ovarian cancer, familial, susceptibility to, 1 (BROVCA1). Also called: BRCA1 Hereditary Breast and Ovarian Cancer; OVARIAN CANCER, SUSCEPTIBILITY TO. Identifiers: Orphanet 145, MedGen C2676676, MONDO:0011450, OMIM 604370. Disease mechanism: loss of function.

Submissions (2):

Evidence-based Network for the Interpretation of Germline Mutant Alleles (ENIGMA)
Classification: Pathogenic for Breast-ovarian cancer, familial, susceptibility to, 1. Last evaluated: 2016-10-18. Review status: reviewed by expert panel. Criteria: ENIGMA BRCA1/2 Classification Criteria (2015). Collection method: curation. Allele origin: germline.
Comment: Variant allele predicted to encode a truncated non-functional protein.

Consortium of Investigators of Modifiers of BRCA1/2 (CIMBA), c/o University of Cambridge
Classification: Pathogenic for Breast-ovarian cancer, familial, susceptibility to, 1. Last evaluated: 2015-10-02. Review status: criteria provided, single submitter. Criteria: CIMBA Mutation Classification guidelines May 2016. Collection method: clinical testing. Allele origin: germline. Not counted in ClinVar's aggregate classification.

NM_007294.4(BRCA1):c.966del (p.Gly323fs)

Gene: BRCA1 (BRCA1 DNA repair associated; minus strand). Cytogenetic location: 17q21.31.
Variant type: Deletion.
Coding change: c.966del on transcript NM_007294.4 (MANE Select); coding-DNA position 966, one base deleted (T; older notation c.966delT).
Protein change: p.Gly323fs; shifts the reading frame from glycine 323.
Molecular consequence: frameshift variant. On other transcripts: intron variant (137).
Genome position (GRCh38, 1-based): chr17:43,094,565, A deleted on the plus strand (T on the coding strand, the reverse complement: BRCA1 is on the minus strand). VCF-style (leftmost placement, unchanged base first): chr17-43094564-CA-C. GRCh37 (hg19) VCF-style: chr17-41246581-CA-C.
Other names: 1085delT; c.787+179del (NM_001407982.1, NM_001407970.1, NM_001407980.1 and 19 more transcripts); c.753del, p.Gly252fs (NM_001407571.1, NM_001407853.1, NM_001407894.1 and 9 more transcripts); c.966del, p.Gly323fs (NM_001407581.1, NM_001407582.1, NM_001407583.1 and 30 more transcripts); c.963del, p.Gly322fs (NM_001407587.1, NM_001407590.1, NM_001407591.1 and 22 more transcripts); c.957del, p.Gly320fs (NM_001407646.1, NM_001407647.1); c.843del, p.Gly282fs (NM_001407648.1, NM_001407664.1, NM_001407665.1 and 19 more transcripts); c.840del, p.Gly281fs (NM_001407649.1, NM_001407670.1, NM_001407671.1 and 11 more transcripts); and 42 more; short protein forms G276fs, G323fs, G235fs, G256fs, G281fs, G211fs, G234fs, G252fs.
Identifiers: ClinVar variation 266598 (VCV000266598.6), dbSNP rs886040336, ClinGen allele CA10589976.